The following is an entry in ClinVar:

NM_001042492.3(NF1):c.7054A>G (p.Asn2352Asp)

Gene: NF1 (neurofibromin 1; plus strand). Cytogenetic location: 17q11.2.
Variant type: single nucleotide variant.
Coding change: c.7054A>G on transcript NM_001042492.3 (MANE Select); coding-DNA position 7054, A replaced by G.
Protein change: p.Asn2352Asp; replaces asparagine 2352 with aspartic acid.
Molecular consequence: missense variant.
Genome position (GRCh38, 1-based): chr17:31,340,637, A>G. VCF-style: chr17-31340637-A-G. GRCh37 (hg19) VCF-style: chr17-29667655-A-G.
Other names: c.6991A>G, p.Asn2331Asp (NM_000267.4); short protein forms N2352D, N2331D.
Identifiers: ClinVar variation 640605 (VCV000640605.7), dbSNP rs1441937734, ClinGen allele CA399015235.

ClinVar aggregate classification (germline): Uncertain significance (1 of 4 stars; one submission).

Conditions:
Neurofibromatosis, type 1 (NF1). Also called: NEUROFIBROMATOSIS, TYPE I, SOMATIC; VON RECKLINGHAUSEN DISEASE; Neurofibromatosis, type I; Peripheral type neurofibromatosis. Identifiers: Orphanet 636, MedGen C0027831, MONDO:0018975, OMIM 162200. Disease mechanism: loss of function.

Submission:

Labcorp Genetics (formerly Invitae), Labcorp
Classification: Uncertain significance for Neurofibromatosis, type 1. Last evaluated: 2024-09-06. Review status: criteria provided, single submitter. Criteria: Invitae Variant Classification Sherloc (09022015). Collection method: clinical testing. Allele origin: germline.
Comment: This sequence change replaces asparagine, which is neutral and polar, with aspartic acid, which is acidic and polar, at codon 2331 of the NF1 protein (p.Asn2331Asp). This variant is not present in population databases (gnomAD no frequency). This variant has not been reported in the literature in individuals affected with NF1-related conditions. ClinVar contains an entry for this variant (Variation ID: 640605). Invitae Evidence Modeling of protein sequence and biophysical properties (such as structural, functional, and spatial information, amino acid conservation, physicochemical variation, residue mobility, and thermodynamic stability) indicates that this missense variant is not expected to disrupt NF1 protein function with a negative predictive value of 95%. In summary, the available evidence is currently insufficient to determine the role of this variant in disease. Therefore, it has been classified as a Variant of Uncertain Significance.